The following is an entry in ClinVar:

NM_007294.4(BRCA1):c.5210G>T (p.Arg1737Ile)

Gene: BRCA1 (BRCA1 DNA repair associated; minus strand). Cytogenetic location: 17q21.31.
Variant type: single nucleotide variant.
Coding change: c.5210G>T on transcript NM_007294.4 (MANE Select); coding-DNA position 5210, G replaced by T.
Protein change: p.Arg1737Ile; replaces arginine 1737 with isoleucine.
Molecular consequence: missense variant. On other transcripts: non-coding transcript variant (1).
Genome position (GRCh38, 1-based): chr17:43,057,119, C>A on the plus strand (G>T on the coding strand, the complement: BRCA1 is on the minus strand). VCF-style: chr17-43057119-C-A. GRCh37 (hg19) VCF-style: chr17-41209136-C-A.
Other names: c.4997G>T, p.Arg1666Ile (NM_001407571.1, NM_001407900.1, NM_001407902.1 and 12 more transcripts); c.5276G>T, p.Arg1759Ile (NM_001407581.1, NM_001407582.1); c.5273G>T, p.Arg1758Ile (NM_001407583.1, NM_001407585.1, NM_001407587.1 and 1 more transcripts); c.5207G>T, p.Arg1736Ile (NM_001407610.1, NM_001407611.1, NM_001407612.1 and 17 more transcripts); c.5204G>T, p.Arg1735Ile (NM_001407629.1, NM_001407630.1, NM_001407631.1 and 14 more transcripts); c.5150G>T, p.Arg1717Ile (NM_001407649.1); c.5132G>T, p.Arg1711Ile (NM_001407652.1, NM_001407653.1, NM_001407654.1 and 1 more transcripts); c.5129G>T, p.Arg1710Ile (NM_001407656.1, NM_001407657.1, NM_001407658.1); and 72 more; short protein forms R1737I, R633I, R1690I, R1758I, R1440I, R1441I, R1609I, R1625I.
Identifiers: ClinVar variation 868187 (VCV000868187.6), dbSNP rs2051524645, ClinGen allele CA10591117.

ClinVar aggregate classification (germline): Uncertain significance (1 of 4 stars; one submission).

Conditions:
Hereditary breast ovarian cancer syndrome. Also called: Hereditary breast and ovarian cancer; Hereditary breast and ovarian cancer syndrome (HBOC); Breast and ovarian cancer; Hereditary breast and/or ovarian cancer syndrome; BRCA1- and BRCA2-Associated Hereditary Breast and Ovarian Cancer; Hereditary breast and ovarian cancer syndrome. Identifiers: Orphanet 145, MedGen C0677776, MeSH D061325, MONDO:0003582. Disease mechanism: loss of function.

Submissions (2):

Labcorp Genetics (formerly Invitae), Labcorp
Classification: Uncertain significance for Hereditary breast ovarian cancer syndrome. Last evaluated: 2023-09-20. Review status: criteria provided, single submitter. Criteria: Invitae Variant Classification Sherloc (09022015). Collection method: clinical testing. Allele origin: germline.
Comment: In summary, the available evidence is currently insufficient to determine the role of this variant in disease. Therefore, it has been classified as a Variant of Uncertain Significance. Advanced modeling performed at Invitae incorporating data from internal and/or published experimental studies (PMID: 30209399) indicates that this missense variant is not expected to disrupt BRCA1 function. ClinVar contains an entry for this variant (Variation ID: 868187). This variant has not been reported in the literature in individuals affected with BRCA1-related conditions. This variant is not present in population databases (gnomAD no frequency). This sequence change replaces arginine, which is basic and polar, with isoleucine, which is neutral and non-polar, at codon 1737 of the BRCA1 protein (p.Arg1737Ile).

Brotman Baty Institute, University of Washington
No classification provided (evidence only). Condition: Breast-ovarian cancer, familial 1. Review status: no classification provided. Collection method: in vitro. Allele origin: not applicable. Functional consequence: functionally_normal. Not counted in ClinVar's aggregate classification.
ClinVar note: "not provided" was previously submitted as the classification for the variant. However, the classification appeared to be based only on an observation of functional data so it was converted to no classification on 2025-07-30.

Literature cited by the submitters: PubMed 30209399 (cited by Labcorp Genetics (formerly Invitae), Labcorp).